The following is an entry in ClinVar:

NM_021926.4(ALX4):c.788A>G (p.Gln263Arg)

Gene: ALX4 (ALX homeobox 4; minus strand). Cytogenetic location: 11p11.2.
Variant type: single nucleotide variant.
Coding change: c.788A>G on transcript NM_021926.4 (MANE Select); coding-DNA position 788, A replaced by G.
Protein change: p.Gln263Arg; replaces glutamine 263 with arginine.
Molecular consequence: missense variant.
Genome position (GRCh38, 1-based): chr11:44,267,612, T>C on the plus strand (A>G on the coding strand, the complement: ALX4 is on the minus strand). VCF-style: chr11-44267612-T-C. GRCh37 (hg19) VCF-style: chr11-44289162-T-C.
Other names: short protein forms Q263R.
Identifiers: ClinVar variation 2641731 (VCV002641731.24), dbSNP rs2539827527, ClinGen allele CA380182089.
Genomic context (GRCh38, chr11:44,267,612, plus strand): 5'-GTTCGAACCTGCTGCATCTGCCCAAAACGCTCCCGCTTCCTCCACTTGGCCCTTCGGTTC[T>C]GGAACCAGACCTACAAGACGCGAAAAAGCCATTGTCACCAGGGTGAGATGCCCGCCTGGA-3'
Protein context (NP_068745.2, residues 253-273): LTEARVQVWF[Gln263Arg]NRRAKWRKRE

ClinVar aggregate classification (germline): Uncertain significance (1 of 4 stars; one submission).

Submission:

CeGaT Center for Human Genetics Tuebingen
Classification: Uncertain significance. Last evaluated: 2023-09-01. Review status: criteria provided, single submitter. Criteria: CeGaT Center For Human Genetics Tuebingen Variant Classification Criteria Version 2. Collection method: clinical testing. Allele origin: germline. Affected: yes. Observed: 1 variant allele.
Comment: ALX4: PM2, PP3